The following is an entry in ClinVar:

NM_152564.5(VPS13B):c.10965G>C (p.Glu3655Asp)

Gene: VPS13B (vacuolar protein sorting 13 homolog B; plus strand). Cytogenetic location: 8q22.2.
Variant type: single nucleotide variant.
Coding change: c.10965G>C on transcript NM_152564.5 (MANE Select); coding-DNA position 10965, G replaced by C.
Protein change: p.Glu3655Asp; replaces glutamic acid 3655 with aspartic acid.
Molecular consequence: missense variant.
Genome position (GRCh38, 1-based): chr8:99,859,401, G>C. VCF-style: chr8-99859401-G-C. GRCh37 (hg19) VCF-style: chr8-100871629-G-C.
Other names: c.11040G>C, p.Glu3680Asp (NM_017890.5); short protein forms E3655D, E3680D.
Identifiers: ClinVar variation 4807614 (VCV004807614.1).

ClinVar aggregate classification (germline): Uncertain significance (1 of 4 stars; one submission).

Conditions:
Cohen syndrome (COH1). Also called: Cutis verticis gyrata, retinitis pigmentosa, and sensorineural deafness; PEPPER SYNDROME. Identifiers: Orphanet 193, MedGen C0265223, MONDO:0008999, OMIM 216550.

Submission:

Labcorp Genetics (formerly Invitae), Labcorp
Classification: Uncertain significance for Cohen syndrome. Last evaluated: 2025-07-19. Review status: criteria provided, single submitter. Criteria: Invitae Variant Classification Sherloc (09022015). Collection method: clinical testing. Allele origin: germline.
Comment: This sequence change replaces glutamic acid, which is acidic and polar, with aspartic acid, which is acidic and polar, at codon 3680 of the VPS13B protein (p.Glu3680Asp). This variant is not present in population databases (gnomAD no frequency). This variant has not been reported in the literature in individuals affected with VPS13B-related conditions. Invitae Evidence Modeling of protein sequence and biophysical properties (such as structural, functional, and spatial information, amino acid conservation, physicochemical variation, residue mobility, and thermodynamic stability) indicates that this missense variant is expected to disrupt VPS13B protein function with a positive predictive value of 80%. In summary, the available evidence is currently insufficient to determine the role of this variant in disease. Therefore, it has been classified as a Variant of Uncertain Significance.